The following is an entry in ClinVar:

NM_020832.3(ZNF687):c.1363C>T (p.Arg455Trp)

Gene: ZNF687 (zinc finger protein 687; plus strand). Cytogenetic location: 1q21.3.
Variant type: single nucleotide variant.
Coding change: c.1363C>T on transcript NM_020832.3 (MANE Select); coding-DNA position 1363, C replaced by T.
Protein change: p.Arg455Trp; replaces arginine 455 with tryptophan.
Molecular consequence: missense variant.
Genome position (GRCh38, 1-based): chr1:151,287,654, C>T. VCF-style: chr1-151287654-C-T. GRCh37 (hg19) VCF-style: chr1-151260130-C-T.
Other names: c.1363C>T, p.Arg455Trp (NM_001304763.2, NM_001304764.2); short protein forms R455W.
Identifiers: ClinVar variation 2418256 (VCV002418256.6), dbSNP rs144174264, ClinGen allele CA1088321.

ClinVar aggregate classification (germline): Uncertain significance (1 of 4 stars; one submission).

Allele frequency attached by ClinVar (database versions not stated): gnomAD exomes 0.00003; ExAC 0.00004; gnomAD 0.00006; TOPMed 0.00007; ESP Exome Variant Server 0.00023.
gnomAD v4.1: 56 of 1,612,868 alleles (0.0035%); highest among the groups gnomAD compares: African/African-American, 0.015%; no homozygotes.

Submission:

Labcorp Genetics (formerly Invitae), Labcorp
Classification: Uncertain significance. Last evaluated: 2025-09-15. Review status: criteria provided, single submitter. Criteria: Invitae Variant Classification Sherloc (09022015). Collection method: clinical testing. Allele origin: germline.
Comment: This sequence change replaces arginine, which is basic and polar, with tryptophan, which is neutral and slightly polar, at codon 455 of the ZNF687 protein (p.Arg455Trp). This variant is present in population databases (rs144174264, gnomAD 0.03%). This variant has not been reported in the literature in individuals affected with ZNF687-related conditions. ClinVar contains an entry for this variant (Variation ID: 2418256). An algorithm developed to predict the effect of missense changes on protein structure and function (PolyPhen-2) suggests that this variant is likely to be disruptive. In summary, the available evidence is currently insufficient to determine the role of this variant in disease. Therefore, it has been classified as a Variant of Uncertain Significance.